The following is an entry in ClinVar:

NM_000077.5(CDKN2A):c.229A>G (p.Thr77Ala)

Gene: CDKN2A (cyclin dependent kinase inhibitor 2A; minus strand). Cytogenetic location: 9p21.3.
Variant type: single nucleotide variant.
Coding change: c.229A>G on transcript NM_000077.5; coding-DNA position 229, A replaced by G.
Protein change: p.Thr77Ala; replaces threonine 77 with alanine.
Molecular consequence: missense variant (on NM_000077.6). On other transcripts: 3 prime UTR variant (1).
Genome position (GRCh38, 1-based): chr9:21,971,130, T>C on the plus strand (A>G on the coding strand, the complement: CDKN2A is on the minus strand). VCF-style: chr9-21971130-T-C. GRCh37 (hg19) VCF-style: chr9-21971129-T-C.
Other names: c.229A>G, p.Thr77Ala (NM_000077.6, NM_001195132.2); c.76A>G, p.Thr26Ala (NM_001363763.2); c.272A>G, p.His91Arg (NM_058195.4); c.*152A>G (NM_058197.5); short protein forms H91R, T77A, T26A.
Identifiers: ClinVar variation 567670 (VCV000567670.21), dbSNP rs1563889628, ClinGen allele CA373086279.
Genomic context (GRCh38, chr9:21,971,130, plus strand): 5'-GCACCACCAGCGTGTCCAGGAAGCCCTCCCGGGCAGCGTCGTGCACGGGTCGGGTGAGAG[T>C]GGCGGGGTCGGCGCAGTTGGGCTCCGCGCCGTGGAGCAGCAGCAGCTCCGCCACTCGGGC-3'
Protein context (NP_000068.1, residues 67-87): GAEPNCADPA[Thr77Ala]LTRPVHDAAR

ClinVar aggregate classification (germline): Uncertain significance. Review status: criteria provided, multiple submitters, no conflicts (2 of 4 stars). 3 submissions from 3 submitters: Uncertain significance (3). Last evaluated 2025-11-24.

Conditions:
Familial melanoma. Also called: Hereditary melanoma; Hereditary cutaneous melanoma. Identifiers: Orphanet 618, MedGen C1512419, MONDO:0018961.
Hereditary cancer-predisposing syndrome. Also called: Hereditary neoplastic syndrome; Neoplastic Syndromes, Hereditary; Hereditary Cancer Syndrome; Tumor predisposition. Identifiers: Orphanet 140162, MedGen C0027672, MeSH D009386, MONDO:0015356.

Allele frequency attached by ClinVar (database versions not stated): gnomAD exomes below 0.00001.
gnomAD v4.1: 1 of 1,596,278 alleles (0.000063%); highest among the groups gnomAD compares: Non-Finnish European, 0.000085%; no homozygotes.

Submissions (3):

Labcorp Genetics (formerly Invitae), Labcorp
Classification: Uncertain significance for Familial melanoma. Last evaluated: 2025-11-24. Review status: criteria provided, single submitter. Criteria: Invitae Variant Classification Sherloc (09022015). Collection method: clinical testing. Allele origin: germline.
Comment: The CDKN2A gene encodes two different proteins, p16INK4a and p14ARF, which are translated from alternative transcripts with different open reading frames. Both transcripts have been analyzed. We report either the variant with the higher classification or default to the CDKN2A (p16INK4a) variant. This report therefore includes the details for the CDKN2A (p16INK4a) variant. This sequence change replaces threonine, which is neutral and polar, with alanine, which is neutral and non-polar, at codon 77 of the CDKN2A (p16INK4a) protein (p.Thr77Ala). This variant is not present in population databases (gnomAD no frequency). This missense change has been observed in individual(s) with multiple primary melanoma (PMID: 18983535, 21462282, 26775776, 27181379). This variant is also known as c.272A>G (p.His91Arg) in the CDKN2A (p14ARF) transcript. ClinVar contains an entry for this variant (Variation ID: 567670). An algorithm developed to predict the effect of missense changes on protein structure and function (PolyPhen-2) suggests that this variant is likely to be tolerated. In summary, the available evidence is currently insufficient to determine the role of this variant in disease. Therefore, it has been classified as a Variant of Uncertain Significance.

Ambry Genetics
Classification: Uncertain significance for Hereditary cancer-predisposing syndrome. Last evaluated: 2025-05-15. Review status: criteria provided, single submitter. Criteria: Ambry Variant Classification Scheme 2023. Collection method: clinical testing. Allele origin: germline.
Comment: The p.T77A variant (also known as c.229A>G), located in coding exon 2 of the CDKN2A gene, results from an A to G substitution at nucleotide position 229. The threonine at codon 77 is replaced by alanine, an amino acid with similar properties. Of note, this variant is also known as p.H91R (c.272A>G) in the p14(ARF) isoform. This variant was reported in individual(s) with melanoma(s) (Pastorino L et al. Pigment Cell Melanoma Res, 2008 Dec;21:700-9; Miller PJ et al. Hum Mutat, 2011 Aug;32:900-11; Betti M et al. Cancer Lett, 2016 Aug;378:120-30; Roccuzzo G et al. Cancers (Basel), 2023 Jul;15). This amino acid position is highly conserved in available vertebrate species. In addition, the in silico prediction for this alteration is inconclusive. Based on the available evidence, the clinical significance of this variant remains unclear.

Color Diagnostics, LLC DBA Color Health
Classification: Uncertain significance for Hereditary cancer-predisposing syndrome. Last evaluated: 2019-09-18. Review status: criteria provided, single submitter. Criteria: ACMG Guidelines, 2015. Collection method: clinical testing. Allele origin: germline.
Comment: This missense variant replaces threonine with alanine at codon 77 of the CDKN2A (p16INK4A) protein. Computational prediction tool is inconclusive regarding the impact of this variant on protein structure and function (internally defined REVEL score threshold 0.5 < inconclusive < 0.7, PMID: 27666373). Splice site prediction tools suggest that this variant may not impact RNA splicing. To our knowledge, functional studies have not been performed for this variant. This variant has been reported in at least one individual affected with multiple primary melanoma (PMID: 18983535, 21462282, 26775776). This variant has not been identified in the general population by the Genome Aggregation Database (gnomAD). The available evidence is insufficient to determine the role of this variant in disease conclusively. Therefore, this variant is classified as a Variant of Uncertain Significance.

Literature cited by the submitters: PubMed 18983535 (cited by Labcorp Genetics (formerly Invitae), Labcorp and Ambry Genetics); PubMed 21462282 (cited by Labcorp Genetics (formerly Invitae), Labcorp and Ambry Genetics); PubMed 26775776 (cited by Labcorp Genetics (formerly Invitae), Labcorp); PubMed 27181379 (cited by Labcorp Genetics (formerly Invitae), Labcorp and Ambry Genetics); PubMed 37568588 (cited by Ambry Genetics).